The following is an entry in ClinVar:

ClinVar aggregate classification (germline): Benign. Review status: criteria provided, multiple submitters, no conflicts (2 of 4 stars). 2 submissions from 2 submitters: Benign (2). Last evaluated 2018-01-13.

Conditions:
Immunodeficiency 104. Also called: SCID, AUTOSOMAL RECESSIVE, T CELL-NEGATIVE, B CELL-POSITIVE, NK CELL-POSITIVE; Severe Combined Immune Deficiency, Autosomal Recessive, TCell -Negative, B Cell-Positive, NK Cell-Positive, IL7R-Related; Severe combined immunodeficiency, autosomal recessive, T cell-negative, B cell-positive, NK cell-positive; IMMUNODEFICIENCY 104, SEVERE COMBINED. Identifiers: MedGen C5676890, MONDO:0012163, OMIM 608971.

Allele frequency attached by ClinVar (database versions not stated): gnomAD exomes 0.00283; gnomAD 0.01281 and 0.01386; TOPMed 0.01448; 1000 Genomes Project 0.01558; 1000 Genomes Project 30x 0.01608.
gnomAD v4.1: 2,192 of 233,278 alleles (0.94%); highest among the groups gnomAD compares: African/African-American, 4.5%; 66 homozygotes.

Submissions (2):

Illumina Laboratory Services, Illumina
Classification: Benign for Immunodeficiency 104. Last evaluated: 2018-01-13. Review status: criteria provided, single submitter. Criteria: ICSL Variant Classification Criteria 13 December 2019. Collection method: clinical testing. Allele origin: germline.
Comment: This variant was observed in the ICSL laboratory as part of a predisposition screen in an ostensibly healthy population. It had not been previously curated by ICSL or reported in the Human Gene Mutation Database (HGMD: prior to June 1st, 2018), and was therefore a candidate for classification through an automated scoring system. Utilizing variant allele frequency, disease prevalence and penetrance estimates, and inheritance mode, an automated score was calculated to assess if this variant is too frequent to cause the disease. Based on the score and internal cut-off values, a variant classified as benign is not then subjected to further curation. The score for this variant resulted in a classification of benign for this disease.

Breakthrough Genomics
Classification: Benign. Review status: criteria provided, single submitter. Criteria: ACMG Guidelines, 2015. Collection method: not provided. Allele origin: germline. Inheritance: Autosomal recessive inheritance. Affected: yes.

NM_002185.5(IL7R):c.*1619G>T

Gene: IL7R (interleukin 7 receptor; plus strand). Cytogenetic location: 5p13.2.
Variant type: single nucleotide variant.
Coding change: c.*1619G>T on transcript NM_002185.5 (MANE Select); 1619 bases downstream of the stop codon, G replaced by T.
Molecular consequence: 3 prime UTR variant. On other transcripts: non-coding transcript variant (1).
Genome position (GRCh38, 1-based): chr5:35,878,105, G>T. VCF-style: chr5-35878105-G-T. GRCh37 (hg19) VCF-style: chr5-35878207-G-T.
Identifiers: ClinVar variation 353296 (VCV000353296.6), dbSNP rs113174267, ClinGen allele CA10624545.